The following is an entry in ClinVar:

NM_000062.3(SERPING1):c.1272C>A (p.Asp424Glu)

Gene: SERPING1 (serpin family G member 1; plus strand). Cytogenetic location: 11q12.1.
Variant type: single nucleotide variant.
Coding change: c.1272C>A on transcript NM_000062.3 (MANE Select); coding-DNA position 1272, C replaced by A.
Protein change: p.Asp424Glu; replaces aspartic acid 424 with glutamic acid.
Molecular consequence: missense variant.
Genome position (GRCh38, 1-based): chr11:57,614,350, C>A. VCF-style: chr11-57614350-C-A. GRCh37 (hg19) VCF-style: chr11-57381823-C-A.
Other names: c.1272C>A, p.Asp424Glu (NM_001032295.2); short protein forms D424E.
Identifiers: ClinVar variation 2715906 (VCV002715906.4), dbSNP rs758843446, ClinGen allele CA6008270.

ClinVar aggregate classification (germline): Uncertain significance. Review status: criteria provided, multiple submitters, no conflicts (2 of 4 stars). 2 submissions from 2 submitters: Uncertain significance (2). Last evaluated 2025-07-03.

Conditions:
Inborn genetic diseases. Identifiers: MedGen C0950123, MeSH D030342.

Allele frequency attached by ClinVar (database versions not stated): TOPMed below 0.00001; gnomAD 0.00001; ExAC 0.00002.
gnomAD v4.1: 27 of 1,613,866 alleles (0.0017%); highest among the groups gnomAD compares: South Asian, 0.015%; no homozygotes.

Submissions (2):

Ambry Genetics
Classification: Uncertain significance for Inborn genetic diseases. Last evaluated: 2025-07-03. Review status: criteria provided, single submitter. Criteria: Ambry Variant Classification Scheme 2023. Collection method: clinical testing. Allele origin: germline.

Labcorp Genetics (formerly Invitae), Labcorp
Classification: Uncertain significance. Last evaluated: 2023-10-17. Review status: criteria provided, single submitter. Criteria: Invitae Variant Classification Sherloc (09022015). Collection method: clinical testing. Allele origin: germline.
Comment: This sequence change replaces aspartic acid, which is acidic and polar, with glutamic acid, which is acidic and polar, at codon 424 of the SERPING1 protein (p.Asp424Glu). This variant is present in population databases (rs758843446, gnomAD 0.02%). This variant has not been reported in the literature in individuals affected with SERPING1-related conditions. Advanced modeling of protein sequence and biophysical properties (such as structural, functional, and spatial information, amino acid conservation, physicochemical variation, residue mobility, and thermodynamic stability) performed at Invitae indicates that this missense variant is not expected to disrupt SERPING1 protein function. In summary, the available evidence is currently insufficient to determine the role of this variant in disease. Therefore, it has been classified as a Variant of Uncertain Significance.